The following is an entry in ClinVar:

NM_003119.4(SPG7):c.1085T>G (p.Val362Gly)

Gene: SPG7 (SPG7 matrix AAA peptidase subunit, paraplegin; plus strand). Cytogenetic location: 16q24.3.
Variant type: single nucleotide variant.
Coding change: c.1085T>G on transcript NM_003119.4 (MANE Select); coding-DNA position 1085, T replaced by G.
Protein change: p.Val362Gly; replaces valine 362 with glycine.
Molecular consequence: missense variant.
Genome position (GRCh38, 1-based): chr16:89,532,001, T>G. VCF-style: chr16-89532001-T-G. GRCh37 (hg19) VCF-style: chr16-89598409-T-G.
Other names: c.1085T>G (NM_003119.3); c.1085T>G, p.Val362Gly (NM_001363850.1, NM_199367.3); short protein forms V362G.
Identifiers: ClinVar variation 2168291 (VCV002168291.2), dbSNP rs532511374, ClinGen allele CA286544566.

ClinVar aggregate classification (germline): Uncertain significance. Review status: criteria provided, multiple submitters, no conflicts (2 of 4 stars). 2 submissions from 2 submitters: Uncertain significance (2). Last evaluated 2025-03-27.

Conditions:
SPG7-related disorder. Also called: SPG7-related condition.
Hereditary spastic paraplegia 7 (SPG7). Also called: SPG7-related neurologic disorder; SPASTIC PARAPLEGIA 7, AUTOSOMAL RECESSIVE, WITH OR WITHOUT CEREBELLAR ATAXIA; Autosomal recessive spastic paraplegia type 7; Spastic paraplegia 7; Hereditary spastic paraplegia Paraplegin type. Identifiers: Orphanet 99013, MedGen C1846564, MONDO:0011803, OMIM 607259.

Allele frequency attached by ClinVar (database versions not stated): TOPMed 0.00001; gnomAD 0.00003; 1000 Genomes Project 30x 0.00016; 1000 Genomes Project 0.00020.
gnomAD v4.1: 5 of 1,613,898 alleles (0.00031%); highest among the groups gnomAD compares: African/African-American, 0.0067%; no homozygotes.

Submissions (2):

PreventionGenetics, part of Exact Sciences
Classification: Uncertain significance for SPG7-related condition. Last evaluated: 2025-03-27. Review status: criteria provided, single submitter. Criteria: ACMG Guidelines, 2015. Collection method: clinical testing. Allele origin: germline.
Comment: The SPG7 c.1085T>G variant is predicted to result in the amino acid substitution p.Val362Gly. To our knowledge, this variant has not been reported in the literature. This variant is reported in 0.023% of alleles in individuals of African descent in gnomAD. At this time, the clinical significance of this variant is uncertain due to the absence of conclusive functional and genetic evidence.

Labcorp Genetics (formerly Invitae), Labcorp
Classification: Uncertain significance for Hereditary spastic paraplegia 7. Last evaluated: 2022-08-21. Review status: criteria provided, single submitter. Criteria: Invitae Variant Classification Sherloc (09022015). Collection method: clinical testing. Allele origin: germline.
Comment: This sequence change replaces valine, which is neutral and non-polar, with glycine, which is neutral and non-polar, at codon 362 of the SPG7 protein (p.Val362Gly). This variant is present in population databases (rs532511374, gnomAD 0.02%). This variant has not been reported in the literature in individuals affected with SPG7-related conditions. Advanced modeling of protein sequence and biophysical properties (such as structural, functional, and spatial information, amino acid conservation, physicochemical variation, residue mobility, and thermodynamic stability) performed at Invitae indicates that this missense variant is expected to disrupt SPG7 protein function. In summary, the available evidence is currently insufficient to determine the role of this variant in disease. Therefore, it has been classified as a Variant of Uncertain Significance.